The following is an entry in ClinVar:

ClinVar aggregate classification (germline): Conflicting classifications of pathogenicity. Review status: criteria provided, conflicting classifications (1 of 4 stars). 2 submissions from 1 submitter: Uncertain significance (1); Benign (1). Last evaluated 2018-01-13.

Conditions:
Sacral defect with anterior meningocele. Identifiers: MedGen C1838568, OMIM 600145.
Neural tube defect (NTD). Also called: Neural tube defects. Identifiers: Orphanet 3388, Orphanet 823, MedGen C0027794, MONDO:0018075, HP:0045005.

Allele frequency attached by ClinVar (database versions not stated): gnomAD 0.00026 and 0.00038; gnomAD exomes 0.00046; 1000 Genomes Project 30x 0.00109; TOPMed 0.00129; 1000 Genomes Project 0.00140.
gnomAD v4.1: 370 of 837,136 alleles (0.044%); highest among the groups gnomAD compares: East Asian, 0.89%; 3 homozygotes.

Submissions (2):

Illumina Laboratory Services, Illumina
Classification: Uncertain significance for Neural tube defects, susceptibility to. Last evaluated: 2018-01-13. Review status: criteria provided, single submitter. Criteria: ICSL Variant Classification Criteria 13 December 2019. Collection method: clinical testing. Allele origin: germline.

Illumina Laboratory Services, Illumina
Classification: Benign for Sacral defect with anterior meningocele. Last evaluated: 2018-01-13. Review status: criteria provided, single submitter. Criteria: ICSL Variant Classification Criteria 13 December 2019. Collection method: clinical testing. Allele origin: germline.
Comment: This variant was observed in the ICSL laboratory as part of a predisposition screen in an ostensibly healthy population. It had not been previously curated by ICSL or reported in the Human Gene Mutation Database (HGMD: prior to June 1st, 2018), and was therefore a candidate for classification through an automated scoring system. Utilizing variant allele frequency, disease prevalence and penetrance estimates, and inheritance mode, an automated score was calculated to assess if this variant is too frequent to cause the disease. Based on the score and internal cut-off values, a variant classified as benign is not then subjected to further curation. The score for this variant resulted in a classification of benign for this disease.

NM_138959.3(VANGL1):c.-115G>C

Genes: VANGL1 (VANGL planar cell polarity protein 1; plus strand), LOC121725046 (Sharpr-MPRA regulatory region 4355; plus strand). Cytogenetic location: 1p13.1.
Variant type: single nucleotide variant.
Coding change: c.-115G>C on transcript NM_138959.3 (MANE Select); 115 bases upstream of the start codon, G replaced by C.
Molecular consequence: 5 prime UTR variant.
Genome position (GRCh38, 1-based): chr1:115,651,299, G>C. VCF-style: chr1-115651299-G-C. GRCh37 (hg19) VCF-style: chr1-116193920-G-C.
Other names: c.-115G>C (NM_001172411.2, NM_001172412.2).
Identifiers: ClinVar variation 292001 (VCV000292001.5), dbSNP rs181583261, ClinGen allele CA10607711.